The following is an entry in ClinVar:

ClinVar aggregate classification (germline): Benign/Likely benign. Review status: criteria provided, multiple submitters, no conflicts (2 of 4 stars). 3 submissions from 3 submitters: Benign (1); Likely benign (2). Last evaluated 2025-11-03.

Conditions:
Retinitis pigmentosa (RP). Identifiers: Orphanet 791, MedGen C0035334, MeSH D012174, MONDO:0019200, OMIM 268000. Inheritance: Autosomal dominant, autosomal recessive and X linked inheritance.

Allele frequency attached by ClinVar (database versions not stated): gnomAD below 0.00001 and 0.00020; TOPMed 0.00004; gnomAD exomes 0.00038 and 0.00098; ExAC 0.00100; 1000 Genomes Project 30x 0.00125; 1000 Genomes Project 0.00140.

Submissions (3):

Labcorp Genetics (formerly Invitae), Labcorp
Classification: Benign. Last evaluated: 2025-11-03. Review status: criteria provided, single submitter. Criteria: Invitae Variant Classification Sherloc (09022015). Collection method: clinical testing. Allele origin: germline.

Blueprint Genetics
Classification: Likely benign. Last evaluated: 2024-10-28. Review status: criteria provided, single submitter. Criteria: ACMG Guidelines, 2015. Collection method: clinical testing. Allele origin: germline.

Illumina Laboratory Services, Illumina
Classification: Likely benign for Retinitis pigmentosa. Last evaluated: 2018-01-13. Review status: criteria provided, single submitter. Criteria: ICSL Variant Classification Criteria 13 December 2019. Collection method: clinical testing. Allele origin: germline.
Comment: This variant was observed in the ICSL laboratory as part of a predisposition screen in an ostensibly healthy population. It had not been previously curated by ICSL or reported in the Human Gene Mutation Database (HGMD: prior to June 1st, 2018), and was therefore a candidate for classification through an automated scoring system. Utilizing variant allele frequency, disease prevalence and penetrance estimates, and inheritance mode, an automated score was calculated to assess if this variant is too frequent to cause the disease. Based on the score and internal cut-off values, a variant classified as likely benign is not then subjected to further curation. The score for this variant resulted in a classification of likely benign for this disease.

NM_000327.4(ROM1):c.397C>T (p.Leu133=)

Gene: ROM1 (retinal outer segment membrane protein 1; plus strand). Cytogenetic location: 11q12.3.
Variant type: single nucleotide variant.
Coding change: c.397C>T on transcript NM_000327.4 (MANE Select); coding-DNA position 397, C replaced by T.
Protein change: p.Leu133=; no amino-acid change (leucine 133 retained).
Molecular consequence: synonymous variant.
Genome position (GRCh38, 1-based): chr11:62,613,678, C>T. VCF-style: chr11-62613678-C-T. GRCh37 (hg19) VCF-style: chr11-62381150-C-T.
Identifiers: ClinVar variation 305163 (VCV000305163.13), dbSNP rs566866016, ClinGen allele CA6049734.